The following is an entry in ClinVar:

NM_176869.3(PPA2):c.253A>G (p.Asn85Asp)

Gene: PPA2 (inorganic pyrophosphatase 2; minus strand). Cytogenetic location: 4q24.
Variant type: single nucleotide variant.
Coding change: c.253A>G on transcript NM_176869.3 (MANE Select); coding-DNA position 253, A replaced by G.
Protein change: p.Asn85Asp; replaces asparagine 85 with aspartic acid.
Molecular consequence: missense variant. On other transcripts: intron variant (2).
Genome position (GRCh38, 1-based): chr4:105,453,612, T>C on the plus strand (A>G on the coding strand, the complement: PPA2 is on the minus strand). VCF-style: chr4-105453612-T-C. GRCh37 (hg19) VCF-style: chr4-106374769-T-C.
Other names: c.253A>G, p.Asn85Asp (NM_006903.4); c.157+20282A>G (NM_176867.3); c.222+3069A>G (NM_176866.2); short protein forms N85D.
Identifiers: ClinVar variation 2038922 (VCV002038922.3), dbSNP rs1228780601, ClinGen allele CA357804762.
Genomic context (GRCh38, chr4:105,453,612, plus strand): 5'-AGACAATATAAAAGTGATTCACAAAAATAAAAACCTTTGGATATACCTCATATTCATCAT[T>C]TCGTGCTTTCTTCATAGGAATGCCATTTTCCTATAAAAGAAAAGATGGTGAAAGACTGCA-3'
Protein context (NP_789845.1, residues 75-95): ENGIPMKKAR[Asn85Asp]DEYENLFNMI

ClinVar aggregate classification (germline): Uncertain significance (1 of 4 stars; one submission).

Allele frequency attached by ClinVar (database versions not stated): gnomAD exomes below 0.00001; TOPMed 0.00001.
gnomAD v4.1: 1 of 1,606,472 alleles (0.000062%); highest among the groups gnomAD compares: African/African-American, 0.0013%; no homozygotes.

Submission:

Labcorp Genetics (formerly Invitae), Labcorp
Classification: Uncertain significance. Last evaluated: 2025-01-16. Review status: criteria provided, single submitter. Criteria: Invitae Variant Classification Sherloc (09022015). Collection method: clinical testing. Allele origin: germline.
Comment: This sequence change replaces asparagine, which is neutral and polar, with aspartic acid, which is acidic and polar, at codon 85 of the PPA2 protein (p.Asn85Asp). This variant is present in population databases (no rsID available, gnomAD 0.007%). This variant has not been reported in the literature in individuals affected with PPA2-related conditions. ClinVar contains an entry for this variant (Variation ID: 2038922). Invitae Evidence Modeling of protein sequence and biophysical properties (such as structural, functional, and spatial information, amino acid conservation, physicochemical variation, residue mobility, and thermodynamic stability) indicates that this missense variant is not expected to disrupt PPA2 protein function with a negative predictive value of 95%. In summary, the available evidence is currently insufficient to determine the role of this variant in disease. Therefore, it has been classified as a Variant of Uncertain Significance.